The following is an entry in ClinVar:

NM_004448.4(ERBB2):c.2933G>A (p.Arg978His)

Gene: ERBB2 (erb-b2 receptor tyrosine kinase 2; plus strand). Cytogenetic location: 17q12.
Variant type: single nucleotide variant.
Coding change: c.2933G>A on transcript NM_004448.4 (MANE Select); coding-DNA position 2933, G replaced by A.
Protein change: p.Arg978His; replaces arginine 978 with histidine.
Molecular consequence: missense variant. On other transcripts: non-coding transcript variant (1), intron variant (1).
Genome position (GRCh38, 1-based): chr17:39,726,622, G>A. VCF-style: chr17-39726622-G-A. GRCh37 (hg19) VCF-style: chr17-37882875-G-A.
Other names: c.2891G>A, p.Arg964His (NM_001382794.1, NM_001382803.1, NM_001382793.1); c.2885G>A, p.Arg962His (NM_001382795.1); c.2933G>A, p.Arg978His (NM_001382796.1, NM_001289937.2); c.2834G>A, p.Arg945His (NM_001382797.1); c.2777G>A, p.Arg926His (NM_001382798.1); c.2753G>A, p.Arg918His (NM_001382799.1); c.2747G>A, p.Arg916His (NM_001382800.1); c.2729G>A, p.Arg910His (NM_001382801.1); and 15 more; short protein forms R1012H, R632H, R702H, R1003H, R962H, R985H, R945H, R975H.
Identifiers: ClinVar variation 2730175 (VCV002730175.3), dbSNP rs778243900, ClinGen allele CA8534424.

ClinVar aggregate classification (germline): Uncertain significance (1 of 4 stars; one submission).

Allele frequency attached by ClinVar (database versions not stated): gnomAD 0.00001; ExAC 0.00002.
gnomAD v4.1: 9 of 1,614,050 alleles (0.00056%); highest among the groups gnomAD compares: Admixed American, 0.0017%; no homozygotes.

Submission:

Labcorp Genetics (formerly Invitae), Labcorp
Classification: Uncertain significance. Last evaluated: 2023-09-06. Review status: criteria provided, single submitter. Criteria: Invitae Variant Classification Sherloc (09022015). Collection method: clinical testing. Allele origin: germline.
Comment: In summary, the available evidence is currently insufficient to determine the role of this variant in disease. Therefore, it has been classified as a Variant of Uncertain Significance. Advanced modeling of protein sequence and biophysical properties (such as structural, functional, and spatial information, amino acid conservation, physicochemical variation, residue mobility, and thermodynamic stability) performed at Invitae indicates that this missense variant is expected to disrupt ERBB2 protein function. This variant has not been reported in the literature in individuals affected with ERBB2-related conditions. This variant is present in population databases (rs778243900, gnomAD 0.007%). This sequence change replaces arginine, which is basic and polar, with histidine, which is basic and polar, at codon 978 of the ERBB2 protein (p.Arg978His).